The following is an entry in ClinVar:

ClinVar aggregate classification (germline): Uncertain significance. Review status: criteria provided, multiple submitters, no conflicts (2 of 4 stars). 2 submissions from 2 submitters: Uncertain significance (2). Last evaluated 2026-01-18.

Conditions:
Cutis laxa, X-linked (OHS). Also called: EDS IX; Occipital horn syndrome. Identifiers: Orphanet 198, MedGen C0268353, MONDO:0010572, OMIM 304150.
Menkes kinky-hair syndrome (MNK). Also called: Classic Menkes Disease; Copper transport disease; Menkes Disease. Identifiers: Orphanet 565, MedGen C0022716, MONDO:0010651, OMIM 309400.
X-linked distal spinal muscular atrophy type 3. Also called: NEURONOPATHY, DISTAL HEREDITARY MOTOR, X-LINKED; NEUROPATHY, DISTAL HEREDITARY MOTOR, X-LINKED; ATP7A-Related Distal Motor Neuropathy; SPINAL MUSCULAR ATROPHY, DISTAL, X-LINKED RECESSIVE. Identifiers: Orphanet 139557, MedGen C1845359, MONDO:0010338, OMIM 300489.
Inborn genetic diseases. Identifiers: MedGen C0950123, MeSH D030342.

Allele frequency attached by ClinVar (database versions not stated): gnomAD 0.00001; TOPMed 0.00001.
gnomAD v4.1: 21 of 1,210,082 alleles (0.0017%); highest among the groups gnomAD compares: Non-Finnish European, 0.0023%; no homozygotes.

Submissions (2):

Labcorp Genetics (formerly Invitae), Labcorp
Classification: Uncertain significance for X-linked distal spinal muscular atrophy type 3; Cutis laxa, X-linked; Menkes kinky-hair syndrome. Last evaluated: 2026-01-18. Review status: criteria provided, single submitter. Criteria: Invitae Variant Classification Sherloc (09022015). Collection method: clinical testing. Allele origin: germline.
Comment: This sequence change replaces threonine, which is neutral and polar, with serine, which is neutral and polar, at codon 467 of the ATP7A protein (p.Thr467Ser). This variant is not present in population databases (gnomAD no frequency). This variant has not been reported in the literature in individuals affected with ATP7A-related conditions. ClinVar contains an entry for this variant (Variation ID: 1771786). Invitae Evidence Modeling of protein sequence and biophysical properties (such as structural, functional, and spatial information, amino acid conservation, physicochemical variation, residue mobility, and thermodynamic stability) indicates that this missense variant is not expected to disrupt ATP7A protein function with a negative predictive value of 95%. In summary, the available evidence is currently insufficient to determine the role of this variant in disease. Therefore, it has been classified as a Variant of Uncertain Significance.

Ambry Genetics
Classification: Uncertain significance for Inborn genetic diseases. Last evaluated: 2024-08-04. Review status: criteria provided, single submitter. Criteria: Ambry Variant Classification Scheme 2023. Collection method: clinical testing. Allele origin: germline.

NM_000052.7(ATP7A):c.1400C>G (p.Thr467Ser)

Gene: ATP7A (ATPase copper transporting alpha; plus strand). Cytogenetic location: Xq21.1.
Variant type: single nucleotide variant.
Coding change: c.1400C>G on transcript NM_000052.7 (MANE Select); coding-DNA position 1400, C replaced by G.
Protein change: p.Thr467Ser; replaces threonine 467 with serine.
Molecular consequence: missense variant.
Genome position (GRCh38, 1-based): chrX:77,998,541, C>G. VCF-style: chrX-77998541-C-G. GRCh37 (hg19) VCF-style: chrX-77254038-C-G.
Other names: c.1400C>G, p.Thr467Ser (NM_001282224.2); short protein forms T467S.
Identifiers: ClinVar variation 1771786 (VCV001771786.7), dbSNP rs782012781, ClinGen allele CA413594271.